The following is an entry in ClinVar:

NM_002299.4(LCT):c.2364A>C (p.Glu788Asp)

Gene: LCT (lactase; minus strand). Cytogenetic location: 2q21.3.
Variant type: single nucleotide variant.
Coding change: c.2364A>C on transcript NM_002299.4 (MANE Select); coding-DNA position 2364, A replaced by C.
Protein change: p.Glu788Asp; replaces glutamic acid 788 with aspartic acid.
Molecular consequence: missense variant.
Genome position (GRCh38, 1-based): chr2:135,809,983, T>G on the plus strand (A>C on the coding strand, the complement: LCT is on the minus strand). VCF-style: chr2-135809983-T-G. GRCh37 (hg19) VCF-style: chr2-136567553-T-G.
Other names: short protein forms E788D.
Identifiers: ClinVar variation 2985938 (VCV002985938.3), dbSNP rs758663789, ClinGen allele CA1888236.

ClinVar aggregate classification (germline): Uncertain significance (1 of 4 stars; one submission).

Allele frequency attached by ClinVar (database versions not stated): TOPMed below 0.00001; gnomAD 0.00001; gnomAD exomes 0.00001; ExAC 0.00002.
gnomAD v4.1: 9 of 1,602,312 alleles (0.00056%); highest among the groups gnomAD compares: East Asian, 0.02%; no homozygotes.

Submission:

Labcorp Genetics (formerly Invitae), Labcorp
Classification: Uncertain significance. Last evaluated: 2022-12-30. Review status: criteria provided, single submitter. Criteria: Invitae Variant Classification Sherloc (09022015). Collection method: clinical testing. Allele origin: germline.
Comment: In summary, the available evidence is currently insufficient to determine the role of this variant in disease. Therefore, it has been classified as a Variant of Uncertain Significance. Algorithms developed to predict the effect of missense changes on protein structure and function are either unavailable or do not agree on the potential impact of this missense change (SIFT: "Not Available"; PolyPhen-2: "Benign"; Align-GVGD: "Not Available"). This variant has not been reported in the literature in individuals affected with LCT-related conditions. This variant is present in population databases (rs758663789, gnomAD 0.03%). This sequence change replaces glutamic acid, which is acidic and polar, with aspartic acid, which is acidic and polar, at codon 788 of the LCT protein (p.Glu788Asp).